The following is an entry in ClinVar:

ClinVar aggregate classification (germline): Uncertain significance. Review status: criteria provided, multiple submitters, no conflicts (2 of 4 stars). 2 submissions from 2 submitters: Uncertain significance (2). Last evaluated 2025-11-24.

Conditions:
Renal cell carcinoma. Identifiers: Orphanet 217071, MedGen C0007134, MeSH D002292, MONDO:0005086, HP:0005584.
Hereditary cancer-predisposing syndrome. Also called: Hereditary neoplastic syndrome; Neoplastic Syndromes, Hereditary; Tumor predisposition; Hereditary Cancer Syndrome. Identifiers: Orphanet 140162, MedGen C0027672, MeSH D009386, MONDO:0015356.

Submissions (2):

Ambry Genetics
Classification: Uncertain significance for Hereditary cancer-predisposing syndrome. Last evaluated: 2025-11-24. Review status: criteria provided, single submitter. Criteria: Ambry Variant Classification Scheme 2023. Collection method: clinical testing. Allele origin: germline.
Comment: The p.A909V variant (also known as c.2726C>T), located in coding exon 11 of the MET gene, results from a C to T substitution at nucleotide position 2726. The alanine at codon 909 is replaced by valine, an amino acid with similar properties. This amino acid position is not well conserved in available vertebrate species. In addition, this alteration is predicted to be tolerated by in silico analysis. Based on the available evidence, the clinical significance of this variant remains unclear.

Labcorp Genetics (formerly Invitae), Labcorp
Classification: Uncertain significance for Renal cell carcinoma. Last evaluated: 2019-04-10. Review status: criteria provided, single submitter. Criteria: Invitae Variant Classification Sherloc (09022015). Collection method: clinical testing. Allele origin: germline.
Comment: This sequence change replaces alanine with valine at codon 909 of the MET protein (p.Ala909Val). The alanine residue is weakly conserved and there is a small physicochemical difference between alanine and valine. This variant is not present in population databases (ExAC no frequency). This variant has not been reported in the literature in individuals with MET-related conditions. Algorithms developed to predict the effect of missense changes on protein structure and function (SIFT, PolyPhen-2, Align-GVGD) all suggest that this variant is likely to be tolerated, but these predictions have not been confirmed by published functional studies and their clinical significance is uncertain. In summary, the available evidence is currently insufficient to determine the role of this variant in disease. Therefore, it has been classified as a Variant of Uncertain Significance.

NM_000245.4(MET):c.2672C>T (p.Ala891Val)

Gene: MET (MET proto-oncogene, receptor tyrosine kinase; plus strand). Cytogenetic location: 7q31.2.
Variant type: single nucleotide variant.
Coding change: c.2672C>T on transcript NM_000245.4 (MANE Select); coding-DNA position 2672, C replaced by T.
Protein change: p.Ala891Val; replaces alanine 891 with valine.
Molecular consequence: missense variant.
Genome position (GRCh38, 1-based): chr7:116,769,733, C>T. VCF-style: chr7-116769733-C-T. GRCh37 (hg19) VCF-style: chr7-116409787-C-T.
Other names: c.2726C>T, p.Ala909Val (NM_001127500.3); c.2672C>T, p.Ala891Val (NM_001324401.3); c.1382C>T, p.Ala461Val (NM_001324402.2); short protein forms A909V, A891V, A461V.
Identifiers: ClinVar variation 835241 (VCV000835241.13), dbSNP rs1562929174, ClinGen allele CA368985656.